The following is an entry in ClinVar:

ClinVar aggregate classification (germline): Uncertain significance (1 of 4 stars; one submission).

Conditions:
COG1 congenital disorder of glycosylation (CDG2G). Also called: CONGENITAL DISORDER OF GLYCOSYLATION, TYPE IIg; CDG IIg; CDGII/COG1 CEREBROCOSTOMANDIBULAR-LIKE SYNDROME. Identifiers: Orphanet 263508, MedGen C2931011, MONDO:0012637, OMIM 611209.

Allele frequency attached by ClinVar (database versions not stated): gnomAD exomes 0.00001; TOPMed 0.00001; ExAC 0.00002.
gnomAD v4.1: 10 of 1,614,046 alleles (0.00062%); highest among the groups gnomAD compares: East Asian, 0.0022%; no homozygotes.

Submission:

Labcorp Genetics (formerly Invitae), Labcorp
Classification: Uncertain significance for COG1 congenital disorder of glycosylation. Last evaluated: 2022-05-30. Review status: criteria provided, single submitter. Criteria: Invitae Variant Classification Sherloc (09022015). Collection method: clinical testing. Allele origin: germline.
Comment: Algorithms developed to predict the effect of missense changes on protein structure and function output the following: SIFT: "Tolerated"; PolyPhen-2: "Benign"; Align-GVGD: "Class C0". The threonine amino acid residue is found in multiple mammalian species, which suggests that this missense change does not adversely affect protein function. In summary, the available evidence is currently insufficient to determine the role of this variant in disease. Therefore, it has been classified as a Variant of Uncertain Significance. This variant has not been reported in the literature in individuals affected with COG1-related conditions. This sequence change replaces alanine, which is neutral and non-polar, with threonine, which is neutral and polar, at codon 798 of the COG1 protein (p.Ala798Thr). This variant is present in population databases (rs747936961, gnomAD 0.0009%).

NM_018714.3(COG1):c.2392G>A (p.Ala798Thr)

Gene: COG1 (component of oligomeric golgi complex 1; plus strand). Cytogenetic location: 17q25.1.
Variant type: single nucleotide variant.
Coding change: c.2392G>A on transcript NM_018714.3 (MANE Select); coding-DNA position 2392, G replaced by A.
Protein change: p.Ala798Thr; replaces alanine 798 with threonine.
Molecular consequence: missense variant.
Genome position (GRCh38, 1-based): chr17:73,205,562, G>A. VCF-style: chr17-73205562-G-A. GRCh37 (hg19) VCF-style: chr17-71201701-G-A.
Other names: short protein forms A798T.
Identifiers: ClinVar variation 2142665 (VCV002142665.4), dbSNP rs747936961, ClinGen allele CA8740462.